The following is an entry in ClinVar:

ClinVar aggregate classification (germline): Uncertain significance (1 of 4 stars; one submission).

Submission:

CeGaT Center for Human Genetics Tuebingen
Classification: Uncertain significance. Last evaluated: 2022-10-01. Review status: criteria provided, single submitter. Criteria: CeGaT Center For Human Genetics Tuebingen Variant Classification Criteria Version 2. Collection method: clinical testing. Allele origin: germline. Affected: yes. Observed: 1 variant allele.
Comment: TRIO: PM2

NM_007118.4(TRIO):c.551T>G (p.Val184Gly)

Gene: TRIO (trio Rho guanine nucleotide exchange factor; plus strand). Cytogenetic location: 5p15.2.
Variant type: single nucleotide variant.
Coding change: c.551T>G on transcript NM_007118.4 (MANE Select); coding-DNA position 551, T replaced by G.
Protein change: p.Val184Gly; replaces valine 184 with glycine.
Molecular consequence: missense variant. On other transcripts: non-coding transcript variant (1).
Genome position (GRCh38, 1-based): chr5:14,290,726, T>G. VCF-style: chr5-14290726-T-G. GRCh37 (hg19) VCF-style: chr5-14290835-T-G.
Other names: short protein forms V184G.
Identifiers: ClinVar variation 2655304 (VCV002655304.24), dbSNP rs2532136940, ClinGen allele CA359205574.